The following is an entry in ClinVar:

NM_001257096.2(PAX1):c.*90G>A

Gene: PAX1 (paired box 1; plus strand). Cytogenetic location: 20p11.22.
Variant type: single nucleotide variant.
Coding change: c.*90G>A on transcript NM_001257096.2 (MANE Select); 90 bases downstream of the stop codon, G replaced by A.
Molecular consequence: 3 prime UTR variant. On other transcripts: missense variant (1).
Genome position (GRCh38, 1-based): chr20:21,714,652, G>A. VCF-style: chr20-21714652-G-A. GRCh37 (hg19) VCF-style: chr20-21695290-G-A.
Other names: c.1454G>A, p.Gly485Asp (NM_006192.5); c.1454G>A (NM_006192.3); short protein forms G485D.
Identifiers: ClinVar variation 1386485 (VCV001386485.7), dbSNP rs149646613, ClinGen allele CA9786795.

ClinVar aggregate classification (germline): Uncertain significance. Review status: criteria provided, multiple submitters, no conflicts (2 of 4 stars). 3 submissions from 3 submitters: Uncertain significance (3). Last evaluated 2022-09-07.

Conditions:
Inborn genetic diseases. Identifiers: MedGen C0950123, MeSH D030342.

Allele frequency attached by ClinVar (database versions not stated): gnomAD exomes 0.00008 and 0.00011; gnomAD 0.00011; TOPMed 0.00013; 1000 Genomes Project 0.00020; ExAC 0.00027; 1000 Genomes Project 30x 0.00031.
gnomAD v4.1: 172 of 1,595,182 alleles (0.011%); highest among the groups gnomAD compares: African/African-American, 0.025%; no homozygotes.

Submissions (3):

Labcorp Genetics (formerly Invitae), Labcorp
Classification: Uncertain significance. Last evaluated: 2022-09-07. Review status: criteria provided, single submitter. Criteria: Invitae Variant Classification Sherloc (09022015). Collection method: clinical testing. Allele origin: germline.
Comment: This sequence change replaces glycine, which is neutral and non-polar, with aspartic acid, which is acidic and polar, at codon 485 of the PAX1 protein (p.Gly485Asp). This variant is present in population databases (rs149646613, gnomAD 0.01%). This variant has not been reported in the literature in individuals affected with PAX1-related conditions. ClinVar contains an entry for this variant (Variation ID: 1386485). Algorithms developed to predict the effect of missense changes on protein structure and function (SIFT, PolyPhen-2, Align-GVGD) all suggest that this variant is likely to be tolerated. In summary, the available evidence is currently insufficient to determine the role of this variant in disease. Therefore, it has been classified as a Variant of Uncertain Significance.

Ambry Genetics
Classification: Uncertain significance for Inborn genetic diseases. Last evaluated: 2021-10-06. Review status: criteria provided, single submitter. Criteria: Ambry Variant Classification Scheme 2023. Collection method: clinical testing. Allele origin: germline.

Breakthrough Genomics
Classification: Uncertain significance. Review status: criteria provided, single submitter. Criteria: ACMG Guidelines, 2015. Collection method: not provided. Allele origin: germline. Inheritance: Autosomal dominant inheritance. Affected: yes.